The following is an entry in ClinVar:

NM_001854.4(COL11A1):c.275-7T>C

Gene: COL11A1 (collagen type XI alpha 1 chain; minus strand). Cytogenetic location: 1p21.1.
Variant type: single nucleotide variant.
Coding change: c.275-7T>C on transcript NM_001854.4 (MANE Select); 7 bases into the intron before coding-DNA position 275, T replaced by C.
Molecular consequence: intron variant.
Genome position (GRCh38, 1-based): chr1:103,078,878, A>G on the plus strand (T>C on the coding strand, the complement: COL11A1 is on the minus strand). VCF-style: chr1-103078878-A-G. GRCh37 (hg19) VCF-style: chr1-103544434-A-G.
Other names: p.?; c.275-7T>C (NM_001190709.2, NM_080629.3, NM_080630.4).
Identifiers: ClinVar variation 258452 (VCV000258452.25), dbSNP rs12136865, ClinGen allele CA975489.

ClinVar aggregate classification (germline): Benign. Review status: criteria provided, multiple submitters, no conflicts (2 of 4 stars). 15 submissions from 11 submitters: Benign (13). 2 of the submissions do not count toward it. Last evaluated 2026-05-08.

Conditions:
Hearing loss, autosomal dominant 37. Also called: DEAFNESS, AUTOSOMAL DOMINANT 37. Identifiers: MedGen C4760307, MONDO:0032802, OMIM 618533.
Fibrochondrogenesis 1 (FBCG1). Identifiers: Orphanet 2021, MedGen C3278138, MONDO:0009226, OMIM 228520.
Marshall syndrome (MRSHS). Identifiers: Orphanet 560, MedGen C0265235, MONDO:0007949, OMIM 154780.
Stickler syndrome type 2 (STL2). Also called: STICKLER SYNDROME, BEADED VITREOUS TYPE; STICKLER SYNDROME, VITREOUS TYPE 2; STICKLER SYNDROME, TYPE II; COL11A1-Related Stickler Syndrome. Identifiers: Orphanet 828, Orphanet 90654, MedGen C1858084, MONDO:0011493, OMIM 604841.

Allele frequency attached by ClinVar (database versions not stated): 1000 Genomes Project 0.09764; 1000 Genomes Project 30x 0.09931; ESP Exome Variant Server 0.13158; TOPMed 0.13432; gnomAD 0.13810 and 0.14046; gnomAD exomes 0.14915 and 0.15388; ExAC 0.17001.
gnomAD v4.1: 241,205 of 1,584,692 alleles (15%); highest among the groups gnomAD compares: Admixed American, 20%; 19,380 homozygotes.

Submissions (15):

Women's Health and Genetics/Laboratory Corporation of America, LabCorp
Classification: Benign. Last evaluated: 2026-05-08. Review status: criteria provided, single submitter. Criteria: LabCorp Variant Classification Summary - May 2015. Collection method: clinical testing. Allele origin: germline.

Labcorp Genetics (formerly Invitae), Labcorp
Classification: Benign. Last evaluated: 2026-02-04. Review status: criteria provided, single submitter. Criteria: Invitae Variant Classification Sherloc (09022015). Collection method: clinical testing. Allele origin: germline.

Blueprint Genetics
Classification: Benign. Last evaluated: 2024-11-26. Review status: criteria provided, single submitter. Criteria: ACMG Guidelines, 2015. Collection method: clinical testing. Allele origin: germline.

Genome-Nilou Lab
Classification: Benign for Hearing loss, autosomal dominant 37. Last evaluated: 2021-07-22. Review status: criteria provided, single submitter. Criteria: ACMG Guidelines, 2015. Collection method: clinical testing. Allele origin: germline. Affected: no.

Genome-Nilou Lab
Classification: Benign for Fibrochondrogenesis 1. Last evaluated: 2021-07-22. Review status: criteria provided, single submitter. Criteria: ACMG Guidelines, 2015. Collection method: clinical testing. Allele origin: germline. Affected: no.

Genome-Nilou Lab
Classification: Benign for Marshall syndrome. Last evaluated: 2021-07-22. Review status: criteria provided, single submitter. Criteria: ACMG Guidelines, 2015. Collection method: clinical testing. Allele origin: germline. Affected: no.

Genome-Nilou Lab
Classification: Benign for Stickler syndrome type 2. Last evaluated: 2021-07-22. Review status: criteria provided, single submitter. Criteria: ACMG Guidelines, 2015. Collection method: clinical testing. Allele origin: germline. Affected: no.

Mayo Clinic Laboratories, Mayo Clinic
Classification: Benign. Last evaluated: 2020-12-07. Review status: criteria provided, single submitter. Criteria: ACMG Guidelines, 2015. Collection method: clinical testing. Allele origin: germline. Observed: 38 variant alleles.

Illumina Laboratory Services, Illumina
Classification: Benign for Stickler syndrome type 2. Last evaluated: 2018-01-13. Review status: criteria provided, single submitter. Criteria: ICSL Variant Classification Criteria 13 December 2019. Collection method: clinical testing. Allele origin: germline.
Comment: This variant was observed in the ICSL laboratory as part of a predisposition screen in an ostensibly healthy population. It had not been previously curated by ICSL or reported in the Human Gene Mutation Database (HGMD: prior to June 1st, 2018), and was therefore a candidate for classification through an automated scoring system. Utilizing variant allele frequency, disease prevalence and penetrance estimates, and inheritance mode, an automated score was calculated to assess if this variant is too frequent to cause the disease. Based on the score and internal cut-off values, a variant classified as benign is not then subjected to further curation. The score for this variant resulted in a classification of benign for this disease.

Illumina Laboratory Services, Illumina
Classification: Benign for Fibrochondrogenesis 1. Last evaluated: 2018-01-13. Review status: criteria provided, single submitter. Criteria: ICSL Variant Classification Criteria 13 December 2019. Collection method: clinical testing. Allele origin: germline.
Comment: the same text as in the submission from Illumina Laboratory Services, Illumina above.

GeneDx
Classification: Benign. Last evaluated: 2016-09-30. Review status: criteria provided, single submitter. Criteria: GeneDx Variant Classification (06012015). Collection method: clinical testing. Allele origin: germline. Affected: yes.
Comment: This variant is considered likely benign or benign based on one or more of the following criteria: it is a conservative change, it occurs at a poorly conserved position in the protein, it is predicted to be benign by multiple in silico algorithms, and/or has population frequency not consistent with disease.

Breakthrough Genomics
Classification: Benign. Review status: criteria provided, single submitter. Criteria: ACMG Guidelines, 2015. Collection method: not provided. Allele origin: germline. Inheritance: Autosomal recessive inheritance. Affected: yes.

PreventionGenetics, part of Exact Sciences
Classification: Benign. Review status: criteria provided, single submitter. Criteria: ACMG Guidelines, 2015. Collection method: clinical testing. Allele origin: germline.

Genome Diagnostics Laboratory, Amsterdam University Medical Center
Classification: Benign. Review status: no assertion criteria provided. Collection method: clinical testing. Allele origin: germline. Affected: yes. Study: VKGL Data-share Consensus. Not counted in ClinVar's aggregate classification.

Joint Genome Diagnostic Labs from Nijmegen and Maastricht, Radboudumc and MUMC+
Classification: Benign. Review status: no assertion criteria provided. Collection method: clinical testing. Allele origin: germline. Affected: yes. Study: VKGL Data-share Consensus. Not counted in ClinVar's aggregate classification.